The following is an entry in ClinVar:

ClinVar aggregate classification (germline): Uncertain significance (1 of 4 stars; one submission).

Conditions:
Long QT syndrome (LQTS). Identifiers: MedGen C0023976, MeSH D008133, MONDO:0002442. Disease mechanism: loss of function. Inheritance: Various modes of inheritance.

Submission:

Labcorp Genetics (formerly Invitae), Labcorp
Classification: Uncertain significance for Long QT syndrome. Last evaluated: 2022-09-13. Review status: criteria provided, single submitter. Criteria: Invitae Variant Classification Sherloc (09022015). Collection method: clinical testing. Allele origin: germline.
Comment: In summary, the available evidence is currently insufficient to determine the role of this variant in disease. Therefore, it has been classified as a Variant of Uncertain Significance. Algorithms developed to predict the effect of missense changes on protein structure and function (SIFT, PolyPhen-2, Align-GVGD) all suggest that this variant is likely to be tolerated. This variant has not been reported in the literature in individuals affected with KCNH2-related conditions. This variant is not present in population databases (gnomAD no frequency). This sequence change replaces valine, which is neutral and non-polar, with glycine, which is neutral and non-polar, at codon 279 of the KCNH2 protein (p.Val279Gly).

NM_000238.4(KCNH2):c.836T>G (p.Val279Gly)

Gene: KCNH2 (potassium voltage-gated channel subfamily H member 2; minus strand). Cytogenetic location: 7q36.1.
Variant type: single nucleotide variant.
Coding change: c.836T>G on transcript NM_000238.4 (MANE Select); coding-DNA position 836, T replaced by G.
Protein change: p.Val279Gly; replaces valine 279 with glycine.
Molecular consequence: missense variant.
Genome position (GRCh38, 1-based): chr7:150,958,139, A>C on the plus strand (T>G on the coding strand, the complement: KCNH2 is on the minus strand). VCF-style: chr7-150958139-A-C. GRCh37 (hg19) VCF-style: chr7-150655227-A-C.
Other names: c.548T>G, p.Val183Gly (NM_001406753.1, NM_001406756.1); c.659T>G, p.Val220Gly (NM_001406755.1); c.536T>G, p.Val179Gly (NM_001406757.1); c.836T>G, p.Val279Gly (NM_172056.3); short protein forms V179G, V220G, V279G, V183G.
Identifiers: ClinVar variation 1978071 (VCV001978071.5), dbSNP rs2486089026, ClinGen allele CA369862302.